The following is an entry in ClinVar:

NM_145207.3(AFG2A):c.1042T>C (p.Phe348Leu)

Gene: AFG2A (AAA ATPase AFG2A; plus strand). Cytogenetic location: 4q28.1.
Variant type: single nucleotide variant.
Coding change: c.1042T>C on transcript NM_145207.3 (MANE Select); coding-DNA position 1042, T replaced by C.
Protein change: p.Phe348Leu; replaces phenylalanine 348 with leucine.
Molecular consequence: missense variant.
Genome position (GRCh38, 1-based): chr4:122,934,633, T>C. VCF-style: chr4-122934633-T-C. GRCh37 (hg19) VCF-style: chr4-123855788-T-C.
Other names: c.1039T>C, p.Phe347Leu (NM_001317799.2, NM_001345856.2); short protein forms F347L, F348L.
Identifiers: ClinVar variation 950333 (VCV000950333.7), dbSNP rs757810366, ClinGen allele CA358103071.

ClinVar aggregate classification (germline): Conflicting classifications of pathogenicity. Review status: criteria provided, conflicting classifications (1 of 4 stars). 2 submissions from 2 submitters: Uncertain significance (1); Likely benign (1). Last evaluated 2025-01-20.

Conditions:
Microcephaly-intellectual disability-sensorineural hearing loss-epilepsy-abnormal muscle tone syndrome (NEDHSB). Also called: NEURODEVELOPMENTAL DISORDER WITH HEARING LOSS, SEIZURES, AND BRAIN ABNORMALITIES. Identifiers: Orphanet 457351, MedGen C4225276, MONDO:0014698, OMIM 616577.

Allele frequency attached by ClinVar (database versions not stated): TOPMed below 0.00001.
gnomAD v4.1: 1 of 1,613,882 alleles (0.000062%); highest among the groups gnomAD compares: Non-Finnish European, 0.000085%; no homozygotes.

Submissions (2):

Labcorp Genetics (formerly Invitae), Labcorp
Classification: Uncertain significance for Microcephaly-intellectual disability-sensorineural hearing loss-epilepsy-abnormal muscle tone syndrome. Last evaluated: 2025-01-20. Review status: criteria provided, single submitter. Criteria: Invitae Variant Classification Sherloc (09022015). Collection method: clinical testing. Allele origin: germline.
Comment: This sequence change replaces phenylalanine, which is neutral and non-polar, with leucine, which is neutral and non-polar, at codon 348 of the SPATA5 protein (p.Phe348Leu). This variant is present in population databases (no rsID available, gnomAD 0.0009%). This variant has not been reported in the literature in individuals affected with SPATA5-related conditions. ClinVar contains an entry for this variant (Variation ID: 950333). Invitae Evidence Modeling of protein sequence and biophysical properties (such as structural, functional, and spatial information, amino acid conservation, physicochemical variation, residue mobility, and thermodynamic stability) indicates that this missense variant is not expected to disrupt SPATA5 protein function with a negative predictive value of 95%. In summary, the available evidence is currently insufficient to determine the role of this variant in disease. Therefore, it has been classified as a Variant of Uncertain Significance.

Blueprint Genetics
Classification: Likely benign. Last evaluated: 2022-10-24. Review status: criteria provided, single submitter. Criteria: ACMG Guidelines, 2015. Collection method: clinical testing. Allele origin: germline.